The following is an entry in ClinVar:

NM_002470.4(MYH3):c.2682+1G>A

Gene: MYH3 (myosin heavy chain 3; minus strand). Cytogenetic location: 17p13.1.
Variant type: single nucleotide variant.
Coding change: c.2682+1G>A on transcript NM_002470.4 (MANE Select); the canonical splice donor site of the intron after coding-DNA position 2682, G replaced by A.
Molecular consequence: splice donor variant.
Genome position (GRCh38, 1-based): chr17:10,639,995, C>T on the plus strand (G>A on the coding strand, the complement: MYH3 is on the minus strand). VCF-style: chr17-10639995-C-T. GRCh37 (hg19) VCF-style: chr17-10543312-C-T.
Identifiers: ClinVar variation 1368661 (VCV001368661.10), dbSNP rs1175557352, ClinGen allele CA398160909.

ClinVar aggregate classification (germline): Likely pathogenic. Review status: criteria provided, multiple submitters, no conflicts (2 of 4 stars). 3 submissions from 3 submitters: Likely pathogenic (3). Last evaluated 2026-01-04.

Conditions:
MYH3-related disorder. Also called: MYH3-Related Disorders; MYH3-related condition. Identifiers: MedGen CN239329.
Freeman-Sheldon syndrome (DA2A). Also called: CRANIOCARPOTARSAL DYSPLASIA; CRANIOCARPOTARSAL DYSTROPHY; Arthrogryposis, distal, type 2A (Freeman-Sheldon); WHISTLING FACE-WINDMILL VANE HAND SYNDROME. Identifiers: Orphanet 2053, MedGen C0265224, MONDO:0008675, OMIM 193700.

Allele frequency attached by ClinVar (database versions not stated): TOPMed below 0.00001; gnomAD 0.00001; gnomAD exomes 0.00001.
gnomAD v4.1: 19 of 1,613,264 alleles (0.0012%); highest among the groups gnomAD compares: Non-Finnish European, 0.0016%; no homozygotes.

Submissions (3):

Labcorp Genetics (formerly Invitae), Labcorp
Classification: Likely pathogenic. Last evaluated: 2026-01-04. Review status: criteria provided, single submitter. Criteria: Invitae Variant Classification Sherloc (09022015). Collection method: clinical testing. Allele origin: germline.
Comment: This sequence change affects a donor splice site in intron 22 of the MYH3 gene. It is expected to disrupt RNA splicing. Variants that disrupt the donor or acceptor splice site typically lead to a loss of protein function (PMID: 16199547), and loss-of-function variants in MYH3 are known to be pathogenic (PMID: 29805041, 30008475). This variant is not present in population databases (gnomAD no frequency). This variant has not been reported in the literature in individuals affected with MYH3-related conditions. ClinVar contains an entry for this variant (Variation ID: 1368661). Algorithms developed to predict the effect of sequence changes on RNA splicing suggest that this variant may disrupt the consensus splice site. In summary, the currently available evidence indicates that the variant is pathogenic, but additional data are needed to prove that conclusively. Therefore, this variant has been classified as Likely Pathogenic.

Pittsburgh Clinical Genomics Laboratory, University of Pittsburgh Medical Center
Classification: Likely pathogenic for Freeman-Sheldon syndrome. Last evaluated: 2023-04-25. Review status: criteria provided, single submitter. Criteria: ACMG Guidelines, 2015. Collection method: clinical testing. Allele origin: germline. Inheritance: Autosomal unknown. Affected: yes.
Comment: This sequence variant is a single nucleotide substitution (G>A) at the +1 position of the canonical splice donor site of MYH3 intron 22. The disruption of this splice site is expected to result in a frameshift and the introduction of a premature stop codon. As this variant impacts exon 22 of 41, this change is predicted to generate a non-functiol allele through either the expression of a truncated protein or loss of MYH3 expression due to nonsense mediated decay. This is a previously reported variant (ClinVar) that is absent from the gnomAD population database (0 of approximately 250,000 alleles). To our knowledge this variant has not been observed in an individual with an MYH3-related disorder in the published literature. Multiple bioinformatic tools indicate that this variant will disrupt the MYH3 intron 22 canonical splice site, and the G base at this position is strongly conserved across the vertebrates examined. However, functiol studies confirming the impact of this variant have not been published, to our knowledge. Given this information, we consider this a likely pathogenic variant. ACMG Criteria: PM2, PVS1

Women's Health and Genetics/Laboratory Corporation of America, LabCorp
Classification: Likely pathogenic for MYH3-related disorder. Last evaluated: 2022-12-20. Review status: criteria provided, single submitter. Criteria: LabCorp Variant Classification Summary - May 2015. Collection method: clinical testing. Allele origin: germline.
Comment: Variant summary: MYH3 c.2682+1G>A is located in a canonical splice-site and is predicted to affect mRNA splicing resulting in a significantly altered protein due to either exon skipping, shortening, or inclusion of intronic material. Several computational tools predict a significant impact on normal splicing: Three predict the variant abolishes a 5' splicing donor site. However, these predictions have yet to be confirmed by functional studies. Other loss-of-function variants (splice-site, truncations) have been reported in HGMD in association with Contractures, pterygia and spondylocarpotarsal fusion syndrome 1B and Spondylocarpotarsal synostosis syndrome, etc. The variant was absent in 251196 control chromosomes. The available data on variant occurrences in the general population are insufficient to allow any conclusion about variant significance. To our knowledge, no occurrence of c.2682+1G>A in individuals affected with MYH3-Related Disorders and no experimental evidence demonstrating its impact on protein function have been reported. One clinical diagnostic laboratory has submitted clinical-significance assessments for this variant to ClinVar after 2014 without evidence for independent evaluation. One laboratory classified the variant as uncertain significance. Based on the evidence outlined above, the variant was classified as likely pathogenic.

Literature cited by the submitters: PubMed 16199547 (cited by Labcorp Genetics (formerly Invitae), Labcorp); PubMed 29805041 (cited by Labcorp Genetics (formerly Invitae), Labcorp); PubMed 30008475 (cited by Labcorp Genetics (formerly Invitae), Labcorp).